The following is an entry in ClinVar:

ClinVar aggregate classification (germline): Uncertain significance. Review status: criteria provided, multiple submitters, no conflicts (2 of 4 stars). 2 submissions from 2 submitters: Uncertain significance (2). Last evaluated 2024-03-14.

Conditions:
Hereditary nonpolyposis colorectal neoplasms. Identifiers: MedGen C0009405, MeSH D003123.
Hereditary cancer-predisposing syndrome. Also called: Hereditary neoplastic syndrome; Hereditary Cancer Syndrome; Tumor predisposition; Neoplastic Syndromes, Hereditary. Identifiers: Orphanet 140162, MedGen C0027672, MeSH D009386, MONDO:0015356.

Submissions (2):

Ambry Genetics
Classification: Uncertain significance for Hereditary cancer-predisposing syndrome. Last evaluated: 2024-03-14. Review status: criteria provided, single submitter. Criteria: Ambry Variant Classification Scheme 2023. Collection method: clinical testing. Allele origin: germline.
Comment: The p.I513M variant (also known as c.1539C>G), located in coding exon 4 of the MSH6 gene, results from a C to G substitution at nucleotide position 1539. The isoleucine at codon 513 is replaced by methionine, an amino acid with highly similar properties. This amino acid position is not well conserved in available vertebrate species. In addition, the in silico prediction for this alteration is inconclusive. Based on the available evidence, the clinical significance of this alteration remains unclear.

Labcorp Genetics (formerly Invitae), Labcorp
Classification: Uncertain significance for Hereditary nonpolyposis colorectal neoplasms. Last evaluated: 2022-06-01. Review status: criteria provided, single submitter. Criteria: Invitae Variant Classification Sherloc (09022015). Collection method: clinical testing. Allele origin: germline.
Comment: In summary, the available evidence is currently insufficient to determine the role of this variant in disease. Therefore, it has been classified as a Variant of Uncertain Significance. Algorithms developed to predict the effect of missense changes on protein structure and function are either unavailable or do not agree on the potential impact of this missense change (SIFT: "Deleterious"; PolyPhen-2: "Possibly Damaging"; Align-GVGD: "Class C0"). This missense change has been observed in individual(s) with colorectal cancer (PMID: 25133505). This variant is not present in population databases (gnomAD no frequency). This sequence change replaces isoleucine, which is neutral and non-polar, with methionine, which is neutral and non-polar, at codon 513 of the MSH6 protein (p.Ile513Met).

Literature cited by the submitters: PubMed 25133505 (cited by Ambry Genetics and Labcorp Genetics (formerly Invitae), Labcorp).

NM_000179.3(MSH6):c.1539C>G (p.Ile513Met)

Gene: MSH6 (mutS homolog 6; plus strand). Cytogenetic location: 2p16.3.
Variant type: single nucleotide variant.
Coding change: c.1539C>G on transcript NM_000179.3 (MANE Select); coding-DNA position 1539, C replaced by G.
Protein change: p.Ile513Met; replaces isoleucine 513 with methionine.
Molecular consequence: missense variant.
Genome position (GRCh38, 1-based): chr2:47,799,522, C>G. VCF-style: chr2-47799522-C-G. GRCh37 (hg19) VCF-style: chr2-48026661-C-G.
Other names: c.1149C>G, p.Ile383Met (NM_001281492.2); c.633C>G, p.Ile211Met (NM_001281493.2, NM_001281494.2, NM_001406811.1 and 6 more transcripts); c.1635C>G, p.Ile545Met (NM_001406795.1, NM_001406802.1); c.1539C>G, p.Ile513Met (NM_001406796.1, NM_001406798.1, NM_001406800.1 and 4 more transcripts); c.1242C>G, p.Ile414Met (NM_001406797.1, NM_001406801.1, NM_001406805.1 and 10 more transcripts); c.1014C>G, p.Ile338Met (NM_001406799.1, NM_001406806.1, NM_001406807.1); c.1461C>G, p.Ile487Met (NM_001406804.1); c.1545C>G, p.Ile515Met (NM_001406813.1); and 1 more; short protein forms I457M, I487M, I513M, I545M, I211M, I338M, I414M, I515M.
Identifiers: ClinVar variation 2001580 (VCV002001580.5), dbSNP rs876660656, ClinGen allele CA346746586.